The following is an entry in ClinVar:

ClinVar aggregate classification (germline): Likely benign (1 of 4 stars; one submission).

gnomAD v4.1: 1 of 1,203,388 alleles (0.000083%); no homozygotes.

Submission:

CeGaT Center for Human Genetics Tuebingen
Classification: Likely benign. Last evaluated: 2022-09-01. Review status: criteria provided, single submitter. Criteria: CeGaT Center For Human Genetics Tuebingen Variant Classification Criteria Version 2. Collection method: clinical testing. Allele origin: germline. Affected: yes. Observed: 1 variant allele.
Comment: OPHN1: PM2:Supporting, BP4, BP7

NM_002547.3(OPHN1):c.522T>C (p.Phe174=)

Gene: OPHN1 (oligophrenin 1; minus strand). Cytogenetic location: Xq12.
Variant type: single nucleotide variant.
Coding change: c.522T>C on transcript NM_002547.3 (MANE Select); coding-DNA position 522, T replaced by C.
Protein change: p.Phe174=; no amino-acid change (phenylalanine 174 retained).
Molecular consequence: synonymous variant.
Genome position (GRCh38, 1-based): chrX:68,213,937, A>G on the plus strand (T>C on the coding strand, the complement: OPHN1 is on the minus strand). VCF-style: chrX-68213937-A-G. GRCh37 (hg19) VCF-style: chrX-67433779-A-G.
Identifiers: ClinVar variation 2660782 (VCV002660782.24), dbSNP rs2519808056, ClinGen allele CA516984733.